The following is an entry in ClinVar:

ClinVar aggregate classification (germline): Uncertain significance (1 of 4 stars; one submission).

Allele frequency attached by ClinVar (database versions not stated): TOPMed 0.00001; gnomAD 0.00001.
gnomAD v4.1: 1 of 1,399,542 alleles (0.000071%); highest among the groups gnomAD compares: African/African-American, 0.0015%; no homozygotes.

Submission:

Ambry Genetics
Classification: Uncertain significance. Last evaluated: 2025-11-26. Review status: criteria provided, single submitter. Criteria: Ambry Variant Classification Scheme 2023. Collection method: clinical testing. Allele origin: germline.
Comment: The p.S13N variant (also known as c.38G>A), located in coding exon 1 of the ATRIP gene, results from a G to A substitution at nucleotide position 38. The serine at codon 13 is replaced by asparagine, an amino acid with highly similar properties. This amino acid position is conserved. In addition, this alteration is predicted to be tolerated by in silico analysis. Based on the available evidence, the clinical significance of this variant remains unclear.

NM_130384.3(ATRIP):c.38G>A (p.Ser13Asn)

Genes: ATRIP (ATR interacting protein; plus strand), ATRIP-TREX1 (ATRIP-TREX1 readthrough; plus strand), LOC129936703 (ATAC-STARR-seq lymphoblastoid silent region 14331; plus strand). Cytogenetic location: 3p21.31.
Variant type: single nucleotide variant.
Coding change: c.38G>A on transcript NM_130384.3 (MANE Select); coding-DNA position 38, G replaced by A.
Protein change: p.Ser13Asn; replaces serine 13 with asparagine.
Molecular consequence: missense variant. On other transcripts: non-coding transcript variant (1), intron variant (1).
Genome position (GRCh38, 1-based): chr3:48,446,883, G>A. VCF-style: chr3-48446883-G-A. GRCh37 (hg19) VCF-style: chr3-48488287-G-A.
Other names: c.38G>A, p.Ser13Asn (NM_032166.4); c.-218+84G>A (NM_001271022.2); short protein forms S13N.
Identifiers: ClinVar variation 2487704 (VCV002487704.3), dbSNP rs1336567918, ClinGen allele CA352702383.